The following is an entry in ClinVar:

ClinVar aggregate classification (germline): Uncertain significance (1 of 4 stars; one submission).

Conditions:
Familial cancer of breast. Also called: Hereditary breast cancer; hereditary breast carcinoma; BREAST CANCER, FAMILIAL. Identifiers: Orphanet 227535, MedGen C0346153, MONDO:0016419, OMIM 114480. Disease mechanism: loss of function.
Fanconi anemia complementation group J. Also called: BRIP1-Related Fanconi Anemia. Identifiers: Orphanet 84, MedGen C1836860, MONDO:0012187, OMIM 609054.

gnomAD v4.1: 1 of 1,610,262 alleles (0.000062%); no homozygotes.

Submission:

Labcorp Genetics (formerly Invitae), Labcorp
Classification: Uncertain significance for Familial cancer of breast; Fanconi anemia complementation group J. Last evaluated: 2022-09-27. Review status: criteria provided, single submitter. Criteria: Invitae Variant Classification Sherloc (09022015). Collection method: clinical testing. Allele origin: germline.
Comment: This missense change has been observed in individual(s) with ovarian cancer (PMID: 26315354). This sequence change replaces cysteine, which is neutral and slightly polar, with tyrosine, which is neutral and polar, at codon 832 of the BRIP1 protein (p.Cys832Tyr). This variant is present in population databases (rs4988355, gnomAD 0.0009%). This variant is also known as C832Y 2636G<A. Algorithms developed to predict the effect of missense changes on protein structure and function are either unavailable or do not agree on the potential impact of this missense change (SIFT: "Deleterious"; PolyPhen-2: "Probably Damaging"; Align-GVGD: "Class C0"). Experimental studies have shown that this missense change affects BRIP1 function (PMID: 31822495). In summary, the available evidence is currently insufficient to determine the role of this variant in disease. Therefore, it has been classified as a Variant of Uncertain Significance.

Literature cited by the submitters: PubMed 26315354; PubMed 31822495.

NM_032043.3(BRIP1):c.2495G>A (p.Cys832Tyr)

Gene: BRIP1 (BRCA1 interacting DNA helicase 1; minus strand). Cytogenetic location: 17q23.2.
Variant type: single nucleotide variant.
Coding change: c.2495G>A on transcript NM_032043.3 (MANE Select); coding-DNA position 2495, G replaced by A.
Protein change: p.Cys832Tyr; replaces cysteine 832 with tyrosine.
Molecular consequence: missense variant.
Genome position (GRCh38, 1-based): chr17:61,693,510, C>T on the plus strand (G>A on the coding strand, the complement: BRIP1 is on the minus strand). VCF-style: chr17-61693510-C-T. GRCh37 (hg19) VCF-style: chr17-59770871-C-T.
Other names: short protein forms C832Y.
Identifiers: ClinVar variation 2138092 (VCV002138092.4), dbSNP rs4988355, ClinGen allele CA292270141.